The following is an entry in ClinVar:

NM_003738.5(PTCH2):c.1531G>A (p.Ala511Thr)

Gene: PTCH2 (patched 2; minus strand). Cytogenetic location: 1p34.1.
Variant type: single nucleotide variant.
Coding change: c.1531G>A on transcript NM_003738.5 (MANE Select); coding-DNA position 1531, G replaced by A.
Protein change: p.Ala511Thr; replaces alanine 511 with threonine.
Molecular consequence: missense variant.
Genome position (GRCh38, 1-based): chr1:44,828,565, C>T on the plus strand (G>A on the coding strand, the complement: PTCH2 is on the minus strand). VCF-style: chr1-44828565-C-T. GRCh37 (hg19) VCF-style: chr1-45294237-C-T.
Other names: c.1531G>A, p.Ala511Thr (NM_001166292.2); short protein forms A511T.
Identifiers: ClinVar variation 2913146 (VCV002913146.3), dbSNP rs1389044696, ClinGen allele CA340100817.

ClinVar aggregate classification (germline): Uncertain significance (1 of 4 stars; one submission).

Conditions:
Gorlin syndrome. Also called: Basal cell nevus syndrome; Nevoid Basal Cell Carcinoma Syndrome. Identifiers: Orphanet 377, MedGen C0004779, MONDO:0007187.

Allele frequency attached by ClinVar (database versions not stated): gnomAD exomes 0.00001.
gnomAD v4.1: 3 of 1,614,010 alleles (0.00019%); highest among the groups gnomAD compares: East Asian, 0.0022%; no homozygotes.

Submission:

Labcorp Genetics (formerly Invitae), Labcorp
Classification: Uncertain significance for Gorlin syndrome. Last evaluated: 2023-11-04. Review status: criteria provided, single submitter. Criteria: Invitae Variant Classification Sherloc (09022015). Collection method: clinical testing. Allele origin: germline.
Comment: This sequence change replaces alanine, which is neutral and non-polar, with threonine, which is neutral and polar, at codon 511 of the PTCH2 protein (p.Ala511Thr). This variant is not present in population databases (gnomAD no frequency). This variant has not been reported in the literature in individuals affected with PTCH2-related conditions. An algorithm developed to predict the effect of missense changes on protein structure and function (PolyPhen-2) suggests that this variant is likely to be tolerated. In summary, the available evidence is currently insufficient to determine the role of this variant in disease. Therefore, it has been classified as a Variant of Uncertain Significance.